The following is an entry in ClinVar:

NM_001009944.3(PKD1):c.5757C>T (p.Phe1919=)

Gene: PKD1 (polycystin 1, transient receptor potential channel interacting; minus strand). Cytogenetic location: 16p13.3.
Variant type: single nucleotide variant.
Coding change: c.5757C>T on transcript NM_001009944.3 (MANE Select); coding-DNA position 5757, C replaced by T.
Protein change: p.Phe1919=; no amino-acid change (phenylalanine 1919 retained).
Molecular consequence: synonymous variant.
Genome position (GRCh38, 1-based): chr16:2,109,410, G>A on the plus strand (C>T on the coding strand, the complement: PKD1 is on the minus strand). VCF-style: chr16-2109410-G-A. GRCh37 (hg19) VCF-style: chr16-2159411-G-A.
Other names: c.5757C>T, p.Phe1919= (NM_000296.4).
Identifiers: ClinVar variation 3031311 (VCV003031311.2), dbSNP rs373335256, ClinGen allele CA7831871.

ClinVar aggregate classification (germline): Likely benign (0 of 4 stars; one submission).

Conditions:
PKD1-related disorder. Also called: PKD1-related condition.

Allele frequency attached by ClinVar (database versions not stated): gnomAD 0.00002; TOPMed 0.00003; ExAC 0.00004.
gnomAD v4.1: 8 of 1,601,336 alleles (0.0005%); highest among the groups gnomAD compares: East Asian, 0.011%; no homozygotes.

Submission:

PreventionGenetics, part of Exact Sciences
Classification: Likely benign for PKD1-related condition. Last evaluated: 2023-10-25. Review status: no assertion criteria provided. Collection method: clinical testing. Allele origin: germline.
Comment: This variant is classified as likely benign based on ACMG/AMP sequence variant interpretation guidelines (Richards et al. 2015 PMID: 25741868, with internal and published modifications).